The following is an entry in ClinVar:

ClinVar aggregate classification (germline): Uncertain significance. Review status: criteria provided, multiple submitters, no conflicts (2 of 4 stars). 2 submissions from 2 submitters: Uncertain significance (2). Last evaluated 2024-10-08.

Conditions:
Combined oxidative phosphorylation defect type 17. Also called: Combined oxidative phosphorylation deficiency 17. Identifiers: Orphanet 369913, MedGen C3809526, MONDO:0014190, OMIM 615440.
Inborn genetic diseases. Identifiers: MedGen C0950123, MeSH D030342.

Allele frequency attached by ClinVar (database versions not stated): gnomAD 0.00002 and 0.00003; TOPMed 0.00002; gnomAD exomes 0.00004; ExAC 0.00005; ESP Exome Variant Server 0.00008.

Submissions (2):

Ambry Genetics
Classification: Uncertain significance for Inborn genetic diseases. Last evaluated: 2024-10-08. Review status: criteria provided, single submitter. Criteria: Ambry Variant Classification Scheme 2023. Collection method: clinical testing. Allele origin: germline.

Labcorp Genetics (formerly Invitae), Labcorp
Classification: Uncertain significance for Combined oxidative phosphorylation defect type 17. Last evaluated: 2022-07-20. Review status: criteria provided, single submitter. Criteria: Invitae Variant Classification Sherloc (09022015). Collection method: clinical testing. Allele origin: germline.
Comment: This sequence change replaces aspartic acid, which is acidic and polar, with asparagine, which is neutral and polar, at codon 509 of the ELAC2 protein (p.Asp509Asn). This variant is present in population databases (rs149866327, gnomAD 0.03%). This variant has not been reported in the literature in individuals affected with ELAC2-related conditions. ClinVar contains an entry for this variant (Variation ID: 1441830). Algorithms developed to predict the effect of missense changes on protein structure and function (SIFT, PolyPhen-2, Align-GVGD) all suggest that this variant is likely to be tolerated. In summary, the available evidence is currently insufficient to determine the role of this variant in disease. Therefore, it has been classified as a Variant of Uncertain Significance.

NM_018127.7(ELAC2):c.1525G>A (p.Asp509Asn)

Gene: ELAC2 (elaC ribonuclease Z 2; minus strand). Cytogenetic location: 17p12.
Variant type: single nucleotide variant.
Coding change: c.1525G>A on transcript NM_018127.7 (MANE Select); coding-DNA position 1525, G replaced by A.
Protein change: p.Asp509Asn; replaces aspartic acid 509 with asparagine.
Molecular consequence: missense variant.
Genome position (GRCh38, 1-based): chr17:12,996,681, C>T on the plus strand (G>A on the coding strand, the complement: ELAC2 is on the minus strand). VCF-style: chr17-12996681-C-T. GRCh37 (hg19) VCF-style: chr17-12899998-C-T.
Other names: c.1405G>A, p.Asp469Asn (NM_001165962.2); c.1522G>A, p.Asp508Asn (NM_173717.2); c.1525G>A (NM_018127.6); short protein forms D509N, D469N, D508N.
Identifiers: ClinVar variation 1441830 (VCV001441830.4), dbSNP rs149866327, ClinGen allele CA8401161.